The following is an entry in ClinVar:

ClinVar aggregate classification (germline): Uncertain significance (1 of 4 stars; one submission).

Conditions:
Hereditary spastic paraplegia 47. Also called: CEREBRAL PALSY, SPASTIC QUADRIPLEGIC, 5; adaptor protein 4 (AP-4) deficiency syndrome; Spastic paraplegia 47, autosomal recessive. Identifiers: Orphanet 280763, MedGen C3279738, MONDO:0013551, OMIM 614066.

Allele frequency attached by ClinVar (database versions not stated): gnomAD exomes below 0.00001; gnomAD 0.00001.

Submission:

Labcorp Genetics (formerly Invitae), Labcorp
Classification: Uncertain significance for Hereditary spastic paraplegia 47. Last evaluated: 2022-07-23. Review status: criteria provided, single submitter. Criteria: Invitae Variant Classification Sherloc (09022015). Collection method: clinical testing. Allele origin: germline.
Comment: This sequence change replaces histidine, which is basic and polar, with arginine, which is basic and polar, at codon 201 of the AP4B1 protein (p.His201Arg). This variant is not present in population databases (gnomAD no frequency). This variant has not been reported in the literature in individuals affected with AP4B1-related conditions. Algorithms developed to predict the effect of missense changes on protein structure and function are either unavailable or do not agree on the potential impact of this missense change (SIFT: "Tolerated"; PolyPhen-2: "Possibly Damaging"; Align-GVGD: "Class C0"). Algorithms developed to predict the effect of sequence changes on RNA splicing suggest that this variant may create or strengthen a splice site. In summary, the available evidence is currently insufficient to determine the role of this variant in disease. Therefore, it has been classified as a Variant of Uncertain Significance.

NM_001253852.3(AP4B1):c.602A>G (p.His201Arg)

Gene: AP4B1 (adaptor related protein complex 4 subunit beta 1; minus strand). Cytogenetic location: 1p13.2.
Variant type: single nucleotide variant.
Coding change: c.602A>G on transcript NM_001253852.3 (MANE Select); coding-DNA position 602, A replaced by G.
Protein change: p.His201Arg; replaces histidine 201 with arginine.
Molecular consequence: missense variant. On other transcripts: intron variant (1).
Genome position (GRCh38, 1-based): chr1:113,901,251, T>C on the plus strand (A>G on the coding strand, the complement: AP4B1 is on the minus strand). VCF-style: chr1-113901251-T-C. GRCh37 (hg19) VCF-style: chr1-114443873-T-C.
Other names: c.305A>G, p.His102Arg (NM_001253853.3); c.602A>G, p.His201Arg (NM_006594.5); c.114-851A>G (NM_001308312.2); short protein forms H102R, H201R.
Identifiers: ClinVar variation 2148884 (VCV002148884.1), dbSNP rs1189750619, ClinGen allele CA341714208.